The following is an entry in ClinVar:

ClinVar aggregate classification (germline): Pathogenic (1 of 4 stars; one submission).

Conditions:
Amyloidosis, hereditary systemic 1 (AMYLD1). Also called: AMYLOID CARDIOMYOPATHY; Familial amyloid polyneuropathy; Transthyretin Amyloidosis; Hereditary oculoleptomeningeal amyloid angiopathy; Familial Transthyretin Amyloidosis; Hereditary Transthyretin Amyloidosis. Identifiers: Orphanet 85447, Orphanet 85451, MedGen C2751492, MONDO:0971004, OMIM 105210.

Submission:

Labcorp Genetics (formerly Invitae), Labcorp
Classification: Pathogenic for Amyloidosis, hereditary systemic 1. Last evaluated: 2025-12-29. Review status: criteria provided, single submitter. Criteria: Invitae Variant Classification Sherloc (09022015). Collection method: clinical testing. Allele origin: germline.
Comment: This sequence change replaces tyrosine, which is neutral and polar, with serine, which is neutral and polar, at codon 134 of the TTR protein (p.Tyr134Ser). This variant is not present in population databases (gnomAD no frequency). This missense change has been observed in individual(s) with hATTR amyloidosis (PMID: 31178489). Invitae Evidence Modeling of protein sequence and biophysical properties (such as structural, functional, and spatial information, amino acid conservation, physicochemical variation, residue mobility, and thermodynamic stability) indicates that this missense variant is expected to disrupt TTR protein function with a positive predictive value of 95%. This variant disrupts the p.Tyr134 amino acid residue in TTR. Other variant(s) that disrupt this residue have been determined to be pathogenic (PMID: 2161654, 21135536, 23713495). This suggests that this residue is clinically significant, and that variants that disrupt this residue are likely to be disease-causing. For these reasons, this variant has been classified as Pathogenic.

Literature cited by the submitters: PubMed 31178489; PubMed 2161654; PubMed 21135536; PubMed 23713495.

NM_000371.4(TTR):c.401A>C (p.Tyr134Ser)

Gene: TTR (transthyretin; plus strand). Cytogenetic location: 18q12.1.
Variant type: single nucleotide variant.
Coding change: c.401A>C on transcript NM_000371.4 (MANE Select); coding-DNA position 401, A replaced by C.
Protein change: p.Tyr134Ser; replaces tyrosine 134 with serine.
Molecular consequence: missense variant.
Genome position (GRCh38, 1-based): chr18:31,598,632, A>C. VCF-style: chr18-31598632-A-C. GRCh37 (hg19) VCF-style: chr18-29178595-A-C.
Other names: short protein forms Y134S.
Identifiers: ClinVar variation 4710458 (VCV004710458.1).